The following is an entry in ClinVar:

ClinVar aggregate classification (germline): Conflicting classifications of pathogenicity. Review status: criteria provided, conflicting classifications (1 of 4 stars). 2 submissions from 2 submitters: Uncertain significance (1); Likely benign (1). Last evaluated 2025-06-16.

Conditions:
Tuberous sclerosis 1 (TSC1). Identifiers: Orphanet 805, MedGen C1854465, MONDO:0008612, OMIM 191100.
Hereditary cancer-predisposing syndrome. Also called: Hereditary Cancer Syndrome; Neoplastic Syndromes, Hereditary; Tumor predisposition; Hereditary neoplastic syndrome. Identifiers: Orphanet 140162, MedGen C0027672, MeSH D009386, MONDO:0015356.

Allele frequency attached by ClinVar (database versions not stated): TOPMed below 0.00001; gnomAD 0.00001; gnomAD exomes 0.00001.
gnomAD v4.1: 27 of 1,613,990 alleles (0.0017%); highest among the groups gnomAD compares: Non-Finnish European, 0.0022%; no homozygotes.

Submissions (2):

Labcorp Genetics (formerly Invitae), Labcorp
Classification: Likely benign for Tuberous sclerosis 1. Last evaluated: 2025-06-16. Review status: criteria provided, single submitter. Criteria: Invitae Variant Classification Sherloc (09022015). Collection method: clinical testing. Allele origin: germline.

Ambry Genetics
Classification: Uncertain significance for Hereditary cancer-predisposing syndrome. Last evaluated: 2024-03-20. Review status: criteria provided, single submitter. Criteria: Ambry Variant Classification Scheme 2023. Collection method: clinical testing. Allele origin: germline.
Comment: The p.E534D variant (also known as c.1602G>T), located in coding exon 13 of the TSC1 gene, results from a G to T substitution at nucleotide position 1602. The glutamic acid at codon 534 is replaced by aspartic acid, an amino acid with highly similar properties. This amino acid position is conserved. In addition, this alteration is predicted to be tolerated by in silico analysis. Since supporting evidence is limited at this time, the clinical significance of this alteration remains unclear.

NM_000368.5(TSC1):c.1602G>T (p.Glu534Asp)

Gene: TSC1 (TSC complex subunit 1; minus strand). Cytogenetic location: 9q34.13.
Variant type: single nucleotide variant.
Coding change: c.1602G>T on transcript NM_000368.5 (MANE Select); coding-DNA position 1602, G replaced by T.
Protein change: p.Glu534Asp; replaces glutamic acid 534 with aspartic acid.
Molecular consequence: missense variant.
Genome position (GRCh38, 1-based): chr9:132,905,976, C>A on the plus strand (G>T on the coding strand, the complement: TSC1 is on the minus strand). VCF-style: chr9-132905976-C-A. GRCh37 (hg19) VCF-style: chr9-135781363-C-A.
Other names: c.1599G>T, p.Glu533Asp (NM_001162426.2); c.1449G>T, p.Glu483Asp (NM_001162427.2); c.1239G>T, p.Glu413Asp (NM_001362177.2); short protein forms E534D, E533D, E413D, E483D.
Identifiers: ClinVar variation 1345718 (VCV001345718.11), dbSNP rs1419023919, ClinGen allele CA375364781.